The following is an entry in ClinVar:

NM_003384.3(VRK1):c.1096_1097insTGAAGCA (p.Lys366fs)

Gene: VRK1 (VRK serine/threonine kinase 1; plus strand). Cytogenetic location: 14q32.2.
Variant type: Insertion.
Coding change: c.1096_1097insTGAAGCA on transcript NM_003384.3 (MANE Select); coding-DNA positions 1096 to 1097, TGAAGCA inserted.
Protein change: p.Lys366fs; shifts the reading frame from lysine 366.
Molecular consequence: frameshift variant.
Genome position: GRCh38 VCF-style: chr14-96876052-A-AAAGCATG. GRCh37 (hg19) VCF-style: chr14-97342389-A-AAAGCATG.
Other names: short protein forms K366fs.
Identifiers: ClinVar variation 1067636 (VCV001067636.10), dbSNP rs2139845849, ClinGen allele CA2499222841.

ClinVar aggregate classification (germline): Pathogenic (1 of 4 stars; one submission).

Conditions:
Pontocerebellar hypoplasia type 1A (PCH1A). Also called: PONTOCEREBELLAR HYPOPLASIA WITH ANTERIOR HORN CELL DISEASE; PONTOCEREBELLAR HYPOPLASIA WITH INFANTILE SPINAL MUSCULAR ATROPHY. Identifiers: Orphanet 2254, Orphanet 88616, MedGen C1843504, MONDO:0011866, OMIM 607596.

Submission:

Labcorp Genetics (formerly Invitae), Labcorp
Classification: Pathogenic for Pontocerebellar hypoplasia type 1A. Last evaluated: 2023-10-03. Review status: criteria provided, single submitter. Criteria: Invitae Variant Classification Sherloc (09022015). Collection method: clinical testing. Allele origin: germline.
Comment: This sequence change creates a premature translational stop signal (p.Lys366Metfs*8) in the VRK1 gene. While this is not anticipated to result in nonsense mediated decay, it is expected to disrupt the last 31 amino acid(s) of the VRK1 protein. This variant is not present in population databases (gnomAD no frequency). This premature translational stop signal has been observed in individual(s) with clinical features consistent with distal hereditary motor neuropathy (Invitae). ClinVar contains an entry for this variant (Variation ID: 1067636). This variant disrupts a region of the VRK1 protein in which other variant(s) (p.Arg387His) have been determined to be pathogenic (PMID: 31837156). This suggests that this is a clinically significant region of the protein, and that variants that disrupt it are likely to be disease-causing. For these reasons, this variant has been classified as Pathogenic.

Literature cited by the submitters: PubMed 31837156.